The following is an entry in ClinVar:

ClinVar aggregate classification (germline): Uncertain significance. Review status: criteria provided, multiple submitters, no conflicts (2 of 4 stars). 2 submissions from 2 submitters: Uncertain significance (2). Last evaluated 2026-02-14.

Conditions:
FLI1-related disorder. Also called: FLI1-related condition.

Allele frequency attached by ClinVar (database versions not stated): gnomAD exomes 0.00002; gnomAD 0.00005; ExAC 0.00006; TOPMed 0.00009; 1000 Genomes Project 30x 0.00016; 1000 Genomes Project 0.00020.
gnomAD v4.1: 42 of 1,613,344 alleles (0.0026%); highest among the groups gnomAD compares: Admixed American, 0.02%; no homozygotes.

Submissions (2):

PreventionGenetics, part of Exact Sciences
Classification: Uncertain significance for FLI1-related condition. Last evaluated: 2026-02-14. Review status: criteria provided, single submitter. Criteria: ACMG Guidelines, 2015. Collection method: clinical testing. Allele origin: germline.
Comment: The FLI1 c.113G>A variant is predicted to result in the amino acid substitution p.Gly38Glu. To our knowledge, this variant has not been reported in the literature. This variant is reported in 0.014% of alleles in individuals of Latino descent in gnomAD. At this time, the clinical significance of this variant is uncertain due to the absence of conclusive functional and genetic evidence.

Labcorp Genetics (formerly Invitae), Labcorp
Classification: Uncertain significance. Last evaluated: 2025-07-21. Review status: criteria provided, single submitter. Criteria: Invitae Variant Classification Sherloc (09022015). Collection method: clinical testing. Allele origin: germline.
Comment: This sequence change replaces glycine, which is neutral and non-polar, with glutamic acid, which is acidic and polar, at codon 38 of the FLI1 protein (p.Gly38Glu). This variant is present in population databases (rs573507310, gnomAD 0.01%). This variant has not been reported in the literature in individuals affected with FLI1-related conditions. ClinVar contains an entry for this variant (Variation ID: 2899516). Invitae Evidence Modeling of protein sequence and biophysical properties (such as structural, functional, and spatial information, amino acid conservation, physicochemical variation, residue mobility, and thermodynamic stability) indicates that this missense variant is not expected to disrupt FLI1 protein function with a negative predictive value of 80%. In summary, the available evidence is currently insufficient to determine the role of this variant in disease. Therefore, it has been classified as a Variant of Uncertain Significance.

NM_002017.5(FLI1):c.113G>A (p.Gly38Glu)

Gene: FLI1 (Fli-1 proto-oncogene, ETS transcription factor; plus strand). Cytogenetic location: 11q24.3.
Variant type: single nucleotide variant.
Coding change: c.113G>A on transcript NM_002017.5 (MANE Select); coding-DNA position 113, G replaced by A.
Protein change: p.Gly38Glu; replaces glycine 38 with glutamic acid.
Molecular consequence: missense variant. On other transcripts: 5 prime UTR variant (2).
Genome position (GRCh38, 1-based): chr11:128,758,209, G>A. VCF-style: chr11-128758209-G-A. GRCh37 (hg19) VCF-style: chr11-128628104-G-A.
Other names: c.14G>A, p.Gly5Glu (NM_001167681.3); c.-257G>A (NM_001271010.2); c.-108G>A (NM_001271012.2); c.113G>A (NM_002017.4); short protein forms G5E, G38E.
Identifiers: ClinVar variation 2899516 (VCV002899516.4), dbSNP rs573507310, ClinGen allele CA6356938.